The following is an entry in ClinVar:

NM_022095.4(ZNF335):c.1412G>A (p.Gly471Asp)

Gene: ZNF335 (zinc finger protein 335; minus strand). Cytogenetic location: 20q13.12.
Variant type: single nucleotide variant.
Coding change: c.1412G>A on transcript NM_022095.4 (MANE Select); coding-DNA position 1412, G replaced by A.
Protein change: p.Gly471Asp; replaces glycine 471 with aspartic acid.
Molecular consequence: missense variant.
Genome position (GRCh38, 1-based): chr20:45,963,594, C>T on the plus strand (G>A on the coding strand, the complement: ZNF335 is on the minus strand). VCF-style: chr20-45963594-C-T. GRCh37 (hg19) VCF-style: chr20-44592233-C-T.
Other names: short protein forms G471D.
Identifiers: ClinVar variation 1496305 (VCV001496305.8), dbSNP rs754371866, ClinGen allele CA9885736.

ClinVar aggregate classification (germline): Uncertain significance (1 of 4 stars; one submission).

Allele frequency attached by ClinVar (database versions not stated): TOPMed below 0.00001; ExAC 0.00001; gnomAD exomes 0.00001 and 0.00002.
gnomAD v4.1: 18 of 1,614,244 alleles (0.0011%); highest among the groups gnomAD compares: Non-Finnish European, 0.0014%; no homozygotes.

Submission:

Labcorp Genetics (formerly Invitae), Labcorp
Classification: Uncertain significance. Last evaluated: 2021-12-02. Review status: criteria provided, single submitter. Criteria: Invitae Variant Classification Sherloc (09022015). Collection method: clinical testing. Allele origin: germline.
Comment: This sequence change replaces glycine, which is neutral and non-polar, with aspartic acid, which is acidic and polar, at codon 471 of the ZNF335 protein (p.Gly471Asp). This variant is present in population databases (rs754371866, gnomAD 0.004%). This variant has not been reported in the literature in individuals affected with ZNF335-related conditions. Algorithms developed to predict the effect of missense changes on protein structure and function (SIFT, PolyPhen-2, Align-GVGD) all suggest that this variant is likely to be disruptive. In summary, the available evidence is currently insufficient to determine the role of this variant in disease. Therefore, it has been classified as a Variant of Uncertain Significance.